The following is an entry in ClinVar:

ClinVar aggregate classification (germline): Uncertain significance (1 of 4 stars; one submission).

Conditions:
Retinoblastoma (RB1). Also called: RETINOBLASTOMA, SOMATIC. Identifiers: Orphanet 790, MedGen C0035335, MeSH D012175, MONDO:0008380, OMIM 180200, HP:0009919. Disease mechanism: loss of function. Inheritance: Both sporadic and heritable forms are tested..

Submission:

Labcorp Genetics (formerly Invitae), Labcorp
Classification: Uncertain significance for Retinoblastoma. Last evaluated: 2024-09-26. Review status: criteria provided, single submitter. Criteria: Invitae Variant Classification Sherloc (09022015). Collection method: clinical testing. Allele origin: germline.
Comment: This variant occurs in a non-coding region of the RB1 gene. It does not change the encoded amino acid sequence of the RB1 protein. This variant is not present in population databases (gnomAD no frequency). This variant has not been reported in the literature in individuals affected with RB1-related conditions. In summary, the available evidence is currently insufficient to determine the role of this variant in disease. Therefore, it has been classified as a Variant of Uncertain Significance.

NM_000321.3(RB1):c.-56G>C

Gene: RB1 (RB transcriptional corepressor 1; plus strand). Cytogenetic location: 13q14.2.
Variant type: single nucleotide variant.
Coding change: c.-56G>C on transcript NM_000321.3 (MANE Select); 56 bases upstream of the start codon, G replaced by C.
Molecular consequence: 5 prime UTR variant.
Genome position (GRCh38, 1-based): chr13:48,303,857, G>C. VCF-style: chr13-48303857-G-C. GRCh37 (hg19) VCF-style: chr13-48877993-G-C.
Other names: c.-56G>C (NM_001407165.1, NM_001407166.1, NM_001407167.1).
Identifiers: ClinVar variation 3631941 (VCV003631941.2).